The following is an entry in ClinVar:

NM_006096.4(NDRG1):c.64-20dup

Gene: NDRG1 (N-myc downstream regulated 1; minus strand). Cytogenetic location: 8q24.22.
Variant type: Duplication.
Coding change: c.64-20dup on transcript NM_006096.4 (MANE Select); 20 bases into the intron before coding-DNA position 64, one base duplicated (T; older notation c.64-20dupT).
Molecular consequence: intron variant.
Genome position (GRCh38, 1-based): chr8:133,280,280, A duplicated on the plus strand (T on the coding strand, the reverse complement: NDRG1 is on the minus strand); the first of 8 consecutive A bases (chr8:133,280,280-133,280,287); duplicating any one gives the same sequence. VCF-style (leftmost placement, unchanged base first): chr8-133280279-C-CA. GRCh37 (hg19) VCF-style: chr8-134292522-C-CA.
Other names: c.64-13dupT (NM_006096.3, NM_006096.4); c.-99-15635dup (NM_001258432.2); c.-135-20dup (NM_001374847.1); c.-74-20dup (NM_001258433.2); c.64-20dup (NM_001374844.1, NM_001135242.2, NM_001374845.1 and 1 more transcripts).
Identifiers: ClinVar variation 362042 (VCV000362042.16), dbSNP rs756038946, ClinGen allele CA4886925.

ClinVar aggregate classification (germline): Benign/Likely benign. Review status: criteria provided, multiple submitters, no conflicts (2 of 4 stars). 4 submissions from 4 submitters: Benign (2); Likely benign (2). Last evaluated 2026-01-20.

Conditions:
Charcot-Marie-Tooth disease type 4. Also called: Charcot-Marie-Tooth disease, type IV; Charcot-Marie-Tooth, Type 4. Identifiers: Orphanet 64749, MedGen C4082197, MONDO:0018995.

Submissions (4):

Labcorp Genetics (formerly Invitae), Labcorp
Classification: Benign for Charcot-Marie-Tooth disease type 4. Last evaluated: 2026-01-20. Review status: criteria provided, single submitter. Criteria: Invitae Variant Classification Sherloc (09022015). Collection method: clinical testing. Allele origin: germline.

Women's Health and Genetics/Laboratory Corporation of America, LabCorp
Classification: Benign. Last evaluated: 2025-07-21. Review status: criteria provided, single submitter. Criteria: LabCorp Variant Classification Summary - May 2015. Collection method: clinical testing. Allele origin: germline.
Comment: Variant summary: NDRG1 c.64-13dupT alters a nucleotide located at a position not widely known to affect splicing. Consensus agreement among computation tools predict no significant impact on normal splicing. However, these predictions have yet to be confirmed by functional studies. The variant allele was found at a frequency of 0.00044 in 249754 control chromosomes, predominantly at a frequency of 0.0012 within the Latino subpopulation in the gnomAD database. The observed variant frequency within Latino control individuals in the gnomAD database just exceeds the estimated maximal expected allele frequency for a pathogenic variant in NDRG1 causing Charcot-Marie-Tooth disease type 4D phenotype (0.0011). To our knowledge, no occurrence of c.64-13dupT in individuals affected with Charcot-Marie-Tooth disease type 4D and no experimental evidence demonstrating its impact on protein function have been reported. ClinVar contains an entry for this variant (Variation ID: 362042). Based on the evidence outlined above, the variant was classified as benign.

Blueprint Genetics
Classification: Likely benign. Last evaluated: 2024-10-14. Review status: criteria provided, single submitter. Criteria: ACMG Guidelines, 2015. Collection method: clinical testing. Allele origin: germline.

GeneDx
Classification: Likely benign. Last evaluated: 2023-04-04. Review status: criteria provided, single submitter. Criteria: GeneDx Variant Classification Process June 2021. Collection method: clinical testing. Allele origin: germline. Affected: yes.
Comment: See Variant Classification Assertion Criteria.